The following is an entry in ClinVar:

ClinVar aggregate classification (germline): Uncertain significance. Review status: criteria provided, multiple submitters, no conflicts (2 of 4 stars). 3 submissions from 3 submitters: Uncertain significance (2). 1 of the submissions does not count toward it. Last evaluated 2022-03-11.

Conditions:
Inborn genetic diseases. Identifiers: MedGen C0950123, MeSH D030342.
Hyperammonemia, type III (NAGSD). Also called: Hyperammonemia due to N-acetylglutamate synthase deficiency. Identifiers: Orphanet 927, MedGen C0268543, MONDO:0009377, OMIM 237310.

Allele frequency attached by ClinVar (database versions not stated): ExAC 0.00003; gnomAD exomes 0.00003 and 0.00010; TOPMed 0.00005; gnomAD 0.00007.
gnomAD v4.1: 161 of 1,613,772 alleles (0.01%); highest among the groups gnomAD compares: Non-Finnish European, 0.013%; no homozygotes.

Submissions (3):

Labcorp Genetics (formerly Invitae), Labcorp
Classification: Uncertain significance for Hyperammonemia, type III. Last evaluated: 2022-03-11. Review status: criteria provided, single submitter. Criteria: Invitae Variant Classification Sherloc (09022015). Collection method: clinical testing. Allele origin: germline.
Comment: This sequence change replaces leucine, which is neutral and non-polar, with valine, which is neutral and non-polar, at codon 391 of the NAGS protein (p.Leu391Val). This variant is present in population databases (rs537949245, gnomAD 0.008%). This variant has not been reported in the literature in individuals affected with NAGS-related conditions. ClinVar contains an entry for this variant (Variation ID: 852706). Algorithms developed to predict the effect of missense changes on protein structure and function (SIFT, PolyPhen-2, Align-GVGD) all suggest that this variant is likely to be disruptive. In summary, the available evidence is currently insufficient to determine the role of this variant in disease. Therefore, it has been classified as a Variant of Uncertain Significance.

Ambry Genetics
Classification: Uncertain significance for Inborn genetic diseases. Last evaluated: 2021-11-12. Review status: criteria provided, single submitter. Criteria: Ambry Variant Classification Scheme 2023. Collection method: clinical testing. Allele origin: germline.

Natera, Inc.
Classification: Uncertain significance for Hyperammonemia type III. Last evaluated: 2020-09-29. Review status: no assertion criteria provided. Collection method: clinical testing. Allele origin: germline. Not counted in ClinVar's aggregate classification.

NM_153006.3(NAGS):c.1171C>G (p.Leu391Val)

Gene: NAGS (N-acetylglutamate synthase; plus strand). Cytogenetic location: 17q21.31.
Variant type: single nucleotide variant.
Coding change: c.1171C>G on transcript NM_153006.3 (MANE Select); coding-DNA position 1171, C replaced by G.
Protein change: p.Leu391Val; replaces leucine 391 with valine.
Molecular consequence: missense variant.
Genome position (GRCh38, 1-based): chr17:44,007,397, C>G. VCF-style: chr17-44007397-C-G. GRCh37 (hg19) VCF-style: chr17-42084765-C-G.
Other names: short protein forms L391V.
Identifiers: ClinVar variation 852706 (VCV000852706.7), dbSNP rs537949245, ClinGen allele CA8595334.